The following is an entry in ClinVar:

NM_001283009.2(RTEL1):c.451A>G (p.Lys151Glu)

Genes: RTEL1 (regulator of telomere elongation helicase 1; plus strand), RTEL1-TNFRSF6B (RTEL1-TNFRSF6B readthrough (NMD candidate); plus strand). Cytogenetic location: 20q13.33.
Variant type: single nucleotide variant.
Coding change: c.451A>G on transcript NM_001283009.2 (MANE Select); coding-DNA position 451, A replaced by G.
Protein change: p.Lys151Glu; replaces lysine 151 with glutamic acid.
Molecular consequence: missense variant. On other transcripts: non-coding transcript variant (1), 5 prime UTR variant (1).
Genome position (GRCh38, 1-based): chr20:63,662,601, A>G. VCF-style: chr20-63662601-A-G. GRCh37 (hg19) VCF-style: chr20-62293954-A-G.
Other names: c.-219A>G (NM_001283010.1); c.451A>G, p.Lys151Glu (NM_016434.4); c.523A>G, p.Lys175Glu (NM_032957.5); short protein forms K151E, K175E.
Identifiers: ClinVar variation 4629593 (VCV004629593.1).
Genomic context (GRCh38, chr20:63,662,601, plus strand): 5'-ACCAGGCCTAAGGTGTGTGTGCTGGGCTCCCGGGAGCAGCTGTGCATCCATCCTGAGGTG[A>G]AGAAACAAGAGAGTAACCATCTACAGGTAGGCTCCTGGGCTCCCGCTCCGGCTCAGTGTC-3'
Protein context (NP_001269938.1, residues 141-161): REQLCIHPEV[Lys151Glu]KQESNHLQIH

ClinVar aggregate classification (germline): Uncertain significance (1 of 4 stars; one submission).

Conditions:
Inborn genetic diseases. Identifiers: MedGen C0950123, MeSH D030342.

gnomAD v4.1: 2 of 1,613,858 alleles (0.00012%); highest among the groups gnomAD compares: Non-Finnish European, 0.00017%; no homozygotes.

Submission:

Ambry Genetics
Classification: Uncertain significance for Inborn genetic diseases. Last evaluated: 2025-11-08. Review status: criteria provided, single submitter. Criteria: Ambry Variant Classification Scheme 2023. Collection method: clinical testing. Allele origin: germline.
Comment: The p.K151E variant (also known as c.451A>G), located in coding exon 4 of the RTEL1 gene, results from an A to G substitution at nucleotide position 451. The lysine at codon 151 is replaced by glutamic acid, an amino acid with similar properties. This amino acid position is conserved. In addition, this alteration is predicted to be tolerated by in silico analysis. Based on the available evidence, the clinical significance of this variant remains unclear.